The following is an entry in ClinVar:

NM_030653.4(DDX11):c.428G>A (p.Arg143His)

Gene: DDX11 (DEAD/H-box helicase 11; plus strand). Cytogenetic location: 12p11.21.
Variant type: single nucleotide variant.
Coding change: c.428G>A on transcript NM_030653.4 (MANE Select); coding-DNA position 428, G replaced by A.
Protein change: p.Arg143His; replaces arginine 143 with histidine.
Molecular consequence: missense variant.
Genome position (GRCh38, 1-based): chr12:31,084,617, G>A. VCF-style: chr12-31084617-G-A. GRCh37 (hg19) VCF-style: chr12-31237551-G-A.
Other names: c.428G>A, p.Arg143His (NM_001257144.2, NM_001413692.1, NM_001413693.1 and 5 more transcripts); c.350G>A, p.Arg117His (NM_001257145.2, NM_001413697.1, NM_001413698.1 and 1 more transcripts); c.-101G>A (NM_001413702.1, NM_001413703.1); c.-633G>A (NM_001413704.1, NM_001413705.1); c.-451G>A (NM_001413706.1); short protein forms R117H, R143H.
Identifiers: ClinVar variation 2229324 (VCV002229324.2), dbSNP rs756991541, ClinGen allele CA6500739.

ClinVar aggregate classification (germline): Uncertain significance (1 of 4 stars; one submission).

Conditions:
Inborn genetic diseases. Identifiers: MedGen C0950123, MeSH D030342.

Allele frequency attached by ClinVar (database versions not stated): gnomAD exomes below 0.00001; TOPMed below 0.00001; ExAC 0.00004.
gnomAD v4.1: 6 of 1,596,956 alleles (0.00038%); highest among the groups gnomAD compares: South Asian, 0.0011%; no homozygotes.

Submission:

Ambry Genetics
Classification: Uncertain significance for Inborn genetic diseases. Last evaluated: 2021-03-24. Review status: criteria provided, single submitter. Criteria: Ambry Variant Classification Scheme 2023. Collection method: clinical testing. Allele origin: germline.
Comment: The c.428G>A (p.R143H) alteration is located in exon 4 (coding exon 3) of the DDX11 gene. This alteration results from a G to A substitution at nucleotide position 428, causing the arginine (R) at amino acid position 143 to be replaced by a histidine (H). The p.R143H alteration is predicted to be tolerated by in silico analysis. Based on insufficient or conflicting evidence, the clinical significance of this alteration remains unclear.